The following is an entry in ClinVar:

ClinVar aggregate classification (germline): Uncertain significance (1 of 4 stars; one submission).

Submission:

Labcorp Genetics (formerly Invitae), Labcorp
Classification: Uncertain significance. Last evaluated: 2024-10-16. Review status: criteria provided, single submitter. Criteria: Invitae Variant Classification Sherloc (09022015). Collection method: clinical testing. Allele origin: germline.
Comment: This sequence change replaces tryptophan, which is neutral and slightly polar, with glycine, which is neutral and non-polar, at codon 858 of the AGBL5 protein (p.Trp858Gly). This variant is not present in population databases (gnomAD no frequency). This variant has not been reported in the literature in individuals affected with AGBL5-related conditions. ClinVar contains an entry for this variant (Variation ID: 1391161). An algorithm developed to predict the effect of missense changes on protein structure and function (PolyPhen-2) suggests that this variant is likely to be tolerated. In summary, the available evidence is currently insufficient to determine the role of this variant in disease. Therefore, it has been classified as a Variant of Uncertain Significance.

NM_021831.6(AGBL5):c.2572T>G (p.Trp858Gly)

Gene: AGBL5 (AGBL carboxypeptidase 5; plus strand). Cytogenetic location: 2p23.3.
Variant type: single nucleotide variant.
Coding change: c.2572T>G on transcript NM_021831.6 (MANE Select); coding-DNA position 2572, T replaced by G.
Protein change: p.Trp858Gly; replaces tryptophan 858 with glycine.
Molecular consequence: missense variant. On other transcripts: non-coding transcript variant (2).
Genome position (GRCh38, 1-based): chr2:27,070,174, T>G. VCF-style: chr2-27070174-T-G. GRCh37 (hg19) VCF-style: chr2-27293042-T-G.
Other names: short protein forms W858G.
Identifiers: ClinVar variation 1391161 (VCV001391161.6), dbSNP rs1207944062, ClinGen allele CA346143094.